The following is an entry in ClinVar:

NM_001300942.2(EMSY):c.3779A>G (p.Gln1260Arg)

Gene: EMSY (EMSY transcriptional repressor, BRCA2 interacting; plus strand). Cytogenetic location: 11q13.5.
Variant type: single nucleotide variant.
Coding change: c.3779A>G on transcript NM_001300942.2 (MANE Select); coding-DNA position 3779, A replaced by G.
Protein change: p.Gln1260Arg; replaces glutamine 1260 with arginine.
Molecular consequence: missense variant.
Genome position (GRCh38, 1-based): chr11:76,546,257, A>G. VCF-style: chr11-76546257-A-G. GRCh37 (hg19) VCF-style: chr11-76257301-A-G.
Other names: c.3737A>G, p.Gln1246Arg (NM_001300943.2, NM_001300944.2); c.3734A>G, p.Gln1245Arg (NM_020193.5); short protein forms Q1245R, Q1246R, Q1260R.
Identifiers: ClinVar variation 2637381 (VCV002637381.1), dbSNP rs2497725604, ClinGen allele CA381922267.

ClinVar aggregate classification (germline): Uncertain significance (1 of 4 stars; one submission).

Conditions:
EMSY-related disorder. Also called: EMSY-related condition.

Allele frequency attached by ClinVar (database versions not stated): gnomAD exomes below 0.00001.
gnomAD v4.1: 1 of 1,613,666 alleles (0.000062%); highest among the groups gnomAD compares: South Asian, 0.0011%; no homozygotes.

Submission:

PreventionGenetics, part of Exact Sciences
Classification: Uncertain significance for EMSY-related condition. Last evaluated: 2022-10-21. Review status: criteria provided, single submitter. Criteria: ACMG Guidelines, 2015. Collection method: clinical testing. Allele origin: germline.
Comment: The EMSY c.3779A>G variant is predicted to result in the amino acid substitution p.Gln1260Arg. To our knowledge, this variant has not been reported in the literature or in a large population database, indicating this variant is rare. At this time, the clinical significance of this variant is uncertain due to the absence of conclusive functional and genetic evidence.